The following is an entry in ClinVar:

ClinVar aggregate classification (germline): Uncertain significance (1 of 4 stars; one submission).

Conditions:
Immunodeficiency 104. Also called: Severe combined immunodeficiency, autosomal recessive, T cell-negative, B cell-positive, NK cell-positive; SCID, AUTOSOMAL RECESSIVE, T CELL-NEGATIVE, B CELL-POSITIVE, NK CELL-POSITIVE; IMMUNODEFICIENCY 104, SEVERE COMBINED; Severe Combined Immune Deficiency, Autosomal Recessive, TCell -Negative, B Cell-Positive, NK Cell-Positive, IL7R-Related. Identifiers: MedGen C5676890, MONDO:0012163, OMIM 608971.

Allele frequency attached by ClinVar (database versions not stated): gnomAD exomes below 0.00001; gnomAD 0.00003.
gnomAD v4.1: 6 of 1,601,290 alleles (0.00037%); highest among the groups gnomAD compares: East Asian, 0.0022%; no homozygotes.

Submission:

Labcorp Genetics (formerly Invitae), Labcorp
Classification: Uncertain significance for Severe combined immunodeficiency, autosomal recessive, T cell-negative, B cell-positive, NK cell-positive. Last evaluated: 2019-01-23. Review status: criteria provided, single submitter. Criteria: Invitae Variant Classification Sherloc (09022015). Collection method: clinical testing. Allele origin: germline.
Comment: This sequence change replaces alanine with proline at codon 655 of the PTPRC protein (p.Ala655Pro). The alanine residue is highly conserved and there is a small physicochemical difference between alanine and proline. This variant is not present in population databases (ExAC no frequency). This variant has not been reported in the literature in individuals with PTPRC-related conditions. Algorithms developed to predict the effect of missense changes on protein structure and function (SIFT, PolyPhen-2, Align-GVGD) all suggest that this variant is likely to be disruptive, but these predictions have not been confirmed by published functional studies and their clinical significance is uncertain. In summary, the available evidence is currently insufficient to determine the role of this variant in disease. Therefore, it has been classified as a Variant of Uncertain Significance.

NM_002838.5(PTPRC):c.1963G>C (p.Ala655Pro)

Gene: PTPRC (protein tyrosine phosphatase receptor type C; plus strand). Cytogenetic location: 1q32.1.
Variant type: single nucleotide variant.
Coding change: c.1963G>C on transcript NM_002838.5 (MANE Select); coding-DNA position 1963, G replaced by C.
Protein change: p.Ala655Pro; replaces alanine 655 with proline.
Molecular consequence: missense variant.
Genome position (GRCh38, 1-based): chr1:198,731,715, G>C. VCF-style: chr1-198731715-G-C. GRCh37 (hg19) VCF-style: chr1-198700844-G-C.
Other names: c.1480G>C, p.Ala494Pro (NM_080921.4); short protein forms A494P, A655P.
Identifiers: ClinVar variation 860239 (VCV000860239.1), dbSNP rs868698846, ClinGen allele CA344044602.